The following is an entry in ClinVar:

NM_004699.4(FAM50A):c.-5C>T

Gene: FAM50A (family with sequence similarity 50 member A; plus strand). Cytogenetic location: Xq28.
Variant type: single nucleotide variant.
Coding change: c.-5C>T on transcript NM_004699.4 (MANE Select); 5 bases upstream of the start codon, C replaced by T.
Molecular consequence: 5 prime UTR variant.
Genome position (GRCh38, 1-based): chrX:154,444,231, C>T. VCF-style: chrX-154444231-C-T. GRCh37 (hg19) VCF-style: chrX-153672578-C-T.
Identifiers: ClinVar variation 5040138 (VCV005040138.1).

ClinVar aggregate classification (germline): Uncertain significance (1 of 4 stars; one submission).

Submission:

CeGaT Center for Human Genetics Tuebingen
Classification: Uncertain significance. Last evaluated: 2026-07-01. Review status: criteria provided, single submitter. Criteria: CeGaT Center For Human Genetics Tuebingen Variant Classification Criteria Version 2. Collection method: clinical testing. Allele origin: germline. Affected: yes. Observed: 1 variant allele.
Comment: FAM50A: PM2, BP4